The following is an entry in ClinVar:

ClinVar aggregate classification (germline): Likely benign. Review status: criteria provided, single submitter (1 of 4 stars). 2 submissions from 2 submitters: Likely benign (1). 1 of the submissions does not count toward it. Last evaluated 2026-02-01.

Conditions:
PDSS2-related disorder. Also called: PDSS2-related condition.

Submissions (2):

Labcorp Genetics (formerly Invitae), Labcorp
Classification: Likely benign. Last evaluated: 2026-02-01. Review status: criteria provided, single submitter. Criteria: Invitae Variant Classification Sherloc (09022015). Collection method: clinical testing. Allele origin: germline.

PreventionGenetics, part of Exact Sciences
Classification: Likely benign for PDSS2-related condition. Last evaluated: 2021-12-30. Review status: no assertion criteria provided. Collection method: clinical testing. Allele origin: germline. Not counted in ClinVar's aggregate classification.
Comment: This variant is classified as likely benign based on ACMG/AMP sequence variant interpretation guidelines (Richards et al. 2015 PMID: 25741868, with internal and published modifications).

NM_020381.4(PDSS2):c.1009-9_1009-7del

Gene: PDSS2 (decaprenyl diphosphate synthase subunit 2; minus strand). Cytogenetic location: 6q21.
Variant type: Microsatellite.
Coding change: c.1009-9_1009-7del on transcript NM_020381.4 (MANE Select); 9 bases into the intron before coding-DNA position 1009 through 7 bases into the intron before coding-DNA position 1009, 3 bases deleted (CTT; older notation c.1009-9_1009-7delCTT).
Molecular consequence: intron variant.
Genome position (GRCh38, 1-based): chr6:107,193,861-107,193,863, AAG deleted on the plus strand (CTT on the coding strand, the reverse complement: PDSS2 is on the minus strand); deleting any 3 consecutive bases within chr6:107,193,861-107,193,867 gives the same sequence; the c. name uses the placement nearest the transcript's 3' end. VCF-style (leftmost placement, unchanged base first): chr6-107193860-AAAG-A. GRCh37 (hg19) VCF-style: chr6-107515064-AAAG-A.
Other names: c.1009-9_1009-7delCTT (NM_020381.3).
Identifiers: ClinVar variation 2059985 (VCV002059985.6), dbSNP rs753218835, ClinGen allele CA3945938.
Genomic context (GRCh38, chr6:107,193,860, plus strand): 5'-AGTATGTATAAAATCTGCCTACCTTAGCATAGTCCAATCTTCCTTTTTCTTGAGCCTACA[AAAG>A]AAGAGGGGAAAATTAATTTGTTACTTCTCTAAAAGTTTAGTGCTTCTATAATTTTTGCTT-3'